The following is an entry in ClinVar:

ClinVar aggregate classification (germline): Uncertain significance. Review status: criteria provided, multiple submitters, no conflicts (2 of 4 stars). 2 submissions from 2 submitters: Uncertain significance (2). Last evaluated 2025-12-16.

Allele frequency attached by ClinVar (database versions not stated): ExAC 0.00003; gnomAD 0.00010; TOPMed 0.00008; gnomAD exomes 0.00009.
gnomAD v4.1: 146 of 1,613,228 alleles (0.0091%); highest among the groups gnomAD compares: Non-Finnish European, 0.012%; no homozygotes.

Submissions (2):

Labcorp Genetics (formerly Invitae), Labcorp
Classification: Uncertain significance. Last evaluated: 2025-12-16. Review status: criteria provided, single submitter. Criteria: Invitae Variant Classification Sherloc (09022015). Collection method: clinical testing. Allele origin: germline.
Comment: This sequence change replaces alanine, which is neutral and non-polar, with valine, which is neutral and non-polar, at codon 628 of the TRAP1 protein (p.Ala628Val). This variant is present in population databases (rs201211570, gnomAD 0.02%). This variant has not been reported in the literature in individuals affected with TRAP1-related conditions. ClinVar contains an entry for this variant (Variation ID: 2359778). An algorithm developed to predict the effect of missense changes on protein structure and function (PolyPhen-2) suggests that this variant is likely to be disruptive. In summary, the available evidence is currently insufficient to determine the role of this variant in disease. Therefore, it has been classified as a Variant of Uncertain Significance.

Ambry Genetics
Classification: Uncertain significance. Last evaluated: 2025-03-01. Review status: criteria provided, single submitter. Criteria: Ambry Variant Classification Scheme 2023. Collection method: clinical testing. Allele origin: germline.

NM_016292.3(TRAP1):c.1883C>T (p.Ala628Val)

Genes: DNASE1 (deoxyribonuclease 1; plus strand), TRAP1 (TNF receptor associated protein 1; minus strand). Cytogenetic location: 16p13.3.
Variant type: single nucleotide variant.
Coding change: c.1883C>T on transcript NM_016292.3 (MANE Select); coding-DNA position 1883, C replaced by T.
Protein change: p.Ala628Val; replaces alanine 628 with valine.
Molecular consequence: missense variant. On other transcripts: intron variant (1).
Genome position (GRCh38, 1-based): chr16:3,662,044, G>A on the plus strand (C>T on the coding strand, the complement: TRAP1 is on the minus strand). VCF-style: chr16-3662044-G-A. GRCh37 (hg19) VCF-style: chr16-3712045-G-A.
Other names: c.1724C>T, p.Ala575Val (NM_001272049.2); c.*22-602G>A (NM_001387140.1); short protein forms A575V, A628V.
Identifiers: ClinVar variation 2359778 (VCV002359778.3), dbSNP rs201211570, ClinGen allele CA7867777.